The following is an entry in ClinVar:

NM_022041.4(GAN):c.1209G>T (p.Lys403Asn)

Gene: GAN (gigaxonin; plus strand). Cytogenetic location: 16q23.2.
Variant type: single nucleotide variant.
Coding change: c.1209G>T on transcript NM_022041.4 (MANE Select); coding-DNA position 1209, G replaced by T.
Protein change: p.Lys403Asn; replaces lysine 403 with asparagine.
Molecular consequence: missense variant.
Genome position (GRCh38, 1-based): chr16:81,363,916, G>T. VCF-style: chr16-81363916-G-T. GRCh37 (hg19) VCF-style: chr16-81397521-G-T.
Other names: c.570G>T, p.Lys190Asn (NM_001377486.1); short protein forms K403N, K190N.
Identifiers: ClinVar variation 1749614 (VCV001749614.2), dbSNP rs1910762704, ClinGen allele CA396890711.

ClinVar aggregate classification (germline): Uncertain significance (1 of 4 stars; one submission).

Conditions:
Inborn genetic diseases. Identifiers: MedGen C0950123, MeSH D030342.

Submission:

Ambry Genetics
Classification: Uncertain significance for Inborn genetic diseases. Last evaluated: 2020-07-16. Review status: criteria provided, single submitter. Criteria: Ambry Variant Classification Scheme 2023. Collection method: clinical testing. Allele origin: germline.
Comment: The p.K403N variant (also known as c.1209G>T), located in coding exon 7 of the GAN gene, results from a G to T substitution at nucleotide position 1209. The lysine at codon 403 is replaced by asparagine, an amino acid with similar properties. This amino acid position is well conserved in available vertebrate species. In addition, this alteration is predicted to be tolerated by in silico analysis. Since supporting evidence is limited at this time, the clinical significance of this alteration remains unclear.